The following is an entry in ClinVar:

ClinVar aggregate classification (germline): Uncertain significance (1 of 4 stars; one submission).

Allele frequency attached by ClinVar (database versions not stated): ExAC 0.00001.
gnomAD v4.1: 8 of 1,612,448 alleles (0.0005%); highest among the groups gnomAD compares: Non-Finnish European, 0.00068%; no homozygotes.

Submission:

Ambry Genetics
Classification: Uncertain significance. Last evaluated: 2024-05-11. Review status: criteria provided, single submitter. Criteria: Ambry Variant Classification Scheme 2023. Collection method: clinical testing. Allele origin: germline.
Comment: The p.G173R variant (also known as c.517G>C), located in coding exon 4 of the POLQ gene, results from a G to C substitution at nucleotide position 517. The glycine at codon 173 is replaced by arginine, an amino acid with dissimilar properties. This amino acid position is conserved. In addition, the in silico prediction for this alteration is inconclusive. Since supporting evidence is limited at this time, the clinical significance of this alteration remains unclear.

NM_199420.4(POLQ):c.517G>C (p.Gly173Arg)

Gene: POLQ (DNA polymerase theta; minus strand). Cytogenetic location: 3q13.33.
Variant type: single nucleotide variant.
Coding change: c.517G>C on transcript NM_199420.4 (MANE Select); coding-DNA position 517, G replaced by C.
Protein change: p.Gly173Arg; replaces glycine 173 with arginine.
Molecular consequence: missense variant.
Genome position (GRCh38, 1-based): chr3:121,539,547, C>G on the plus strand (G>C on the coding strand, the complement: POLQ is on the minus strand). VCF-style: chr3-121539547-C-G. GRCh37 (hg19) VCF-style: chr3-121258394-C-G.
Other names: short protein forms G173R.
Identifiers: ClinVar variation 1745850 (VCV001745850.3), dbSNP rs777399934, ClinGen allele CA2563791.